The following is an entry in ClinVar:

ClinVar aggregate classification (germline): Uncertain significance (1 of 4 stars; one submission).

Conditions:
Cardiovascular phenotype. Identifiers: MedGen CN230736.

gnomAD v4.1: 1 of 1,585,958 alleles (0.000063%); no homozygotes.

Submission:

Ambry Genetics
Classification: Uncertain significance for Cardiovascular phenotype. Last evaluated: 2024-10-24. Review status: criteria provided, single submitter. Criteria: Ambry Variant Classification Scheme 2023. Collection method: clinical testing. Allele origin: germline.
Comment: The p.T976I variant (also known as c.2927C>T), located in coding exon 17 of the EPHB4 gene, results from a C to T substitution at nucleotide position 2927. The threonine at codon 976 is replaced by isoleucine, an amino acid with similar properties. This amino acid position is conserved. In addition, this alteration is predicted to be tolerated by in silico analysis. Based on the available evidence, the clinical significance of this variant remains unclear.

NM_004444.5(EPHB4):c.2927C>T (p.Thr976Ile)

Gene: EPHB4 (EPH receptor B4; minus strand). Cytogenetic location: 7q22.1.
Variant type: single nucleotide variant.
Coding change: c.2927C>T on transcript NM_004444.5 (MANE Select); coding-DNA position 2927, C replaced by T.
Protein change: p.Thr976Ile; replaces threonine 976 with isoleucine.
Molecular consequence: missense variant.
Genome position (GRCh38, 1-based): chr7:100,803,498, G>A on the plus strand (C>T on the coding strand, the complement: EPHB4 is on the minus strand). VCF-style: chr7-100803498-G-A. GRCh37 (hg19) VCF-style: chr7-100401120-G-A.
Other names: short protein forms T976I.
Identifiers: ClinVar variation 3509404 (VCV003509404.1).